The following is an entry in ClinVar:

ClinVar aggregate classification (germline): Uncertain significance (1 of 4 stars; one submission).

Conditions:
Inborn genetic diseases. Identifiers: MedGen C0950123, MeSH D030342.

Submission:

Ambry Genetics
Classification: Uncertain significance for Inborn genetic diseases. Last evaluated: 2026-04-28. Review status: criteria provided, single submitter. Criteria: Ambry Variant Classification Scheme 2023. Collection method: clinical testing. Allele origin: germline.
Comment: The p.F1005L variant (also known as c.3015T>A), located in coding exon 13 of the ASXL1 gene, results from a T to A substitution at nucleotide position 3015. The phenylalanine at codon 1005 is replaced by leucine, an amino acid with highly similar properties. This amino acid position is conserved. In addition, this alteration is predicted to be tolerated by in silico analysis. Based on the available evidence, the clinical significance of this variant remains unclear.

NM_015338.6(ASXL1):c.3015T>A (p.Phe1005Leu)

Gene: ASXL1 (ASXL transcriptional regulator 1; plus strand). Cytogenetic location: 20q11.21.
Variant type: single nucleotide variant.
Coding change: c.3015T>A on transcript NM_015338.6 (MANE Select); coding-DNA position 3015, T replaced by A.
Protein change: p.Phe1005Leu; replaces phenylalanine 1005 with leucine.
Molecular consequence: missense variant.
Genome position (GRCh38, 1-based): chr20:32,435,727, T>A. VCF-style: chr20-32435727-T-A. GRCh37 (hg19) VCF-style: chr20-31023530-T-A.
Other names: c.2832T>A, p.Phe944Leu (NM_001363734.1); short protein forms F1005L, F944L.
Identifiers: ClinVar variation 4864399 (VCV004864399.1).